The following is an entry in ClinVar:

NM_004415.4(DSP):c.4635T>C (p.Val1545=)

Gene: DSP (desmoplakin; plus strand). Cytogenetic location: 6p24.3.
Variant type: single nucleotide variant.
Coding change: c.4635T>C on transcript NM_004415.4 (MANE Select); coding-DNA position 4635, T replaced by C.
Protein change: p.Val1545=; no amino-acid change (valine 1545 retained).
Molecular consequence: synonymous variant. On other transcripts: intron variant (2).
Genome position (GRCh38, 1-based): chr6:7,580,825, T>C. VCF-style: chr6-7580825-T-C. GRCh37 (hg19) VCF-style: chr6-7581058-T-C.
Other names: c.4050+585T>C (NM_001319034.2); c.3582+1053T>C (NM_001008844.3).
Identifiers: ClinVar variation 2930869 (VCV002930869.4), dbSNP rs199682401, ClinGen allele CA042263.

ClinVar aggregate classification (germline): Likely benign. Review status: criteria provided, multiple submitters, no conflicts (2 of 4 stars). 2 submissions from 2 submitters: Likely benign (2). Last evaluated 2026-01-07.

Conditions:
Arrhythmogenic cardiomyopathy with wooly hair and keratoderma. Also called: Arrhythmogenic cardiomyopathy with woolly hair and keratoderma; Dilated cardiomyopathy with woolly hair and keratoderma; PALMOPLANTAR KERATODERMA WITH LEFT VENTRICULAR CARDIOMYOPATHY AND WOOLLY HAIR; Carvajal syndrome. Identifiers: Orphanet 65282, MedGen C1854063, MONDO:0011581, OMIM 605676.
Arrhythmogenic right ventricular dysplasia 8 (ARVD8). Also called: Arrhythmogenic Right Ventricular Dysplasia/Cardiomyopathy 8; ARRHYTHMOGENIC RIGHT VENTRICULAR DYSPLASIA, FAMILIAL, 8; ARRHYTHMOGENIC RIGHT VENTRICULAR CARDIOMYOPATHY 8. Identifiers: MedGen C1843896, MONDO:0011831, OMIM 607450.

Allele frequency attached by ClinVar (database versions not stated): gnomAD exomes below 0.00001.
gnomAD v4.1: 4 of 1,614,110 alleles (0.00025%); highest among the groups gnomAD compares: Non-Finnish European, 0.00034%; no homozygotes.

Submissions (2):

Labcorp Genetics (formerly Invitae), Labcorp
Classification: Likely benign for Arrhythmogenic cardiomyopathy with wooly hair and keratoderma; Arrhythmogenic right ventricular dysplasia 8. Last evaluated: 2026-01-07. Review status: criteria provided, single submitter. Criteria: Invitae Variant Classification Sherloc (09022015). Collection method: clinical testing. Allele origin: germline.

All of Us Research Program, National Institutes of Health
Classification: Likely benign for Arrhythmogenic cardiomyopathy with wooly hair and keratoderma. Last evaluated: 2023-03-23. Review status: criteria provided, single submitter. Criteria: ACMG Guidelines, 2015. Collection method: clinical testing. Allele origin: germline. Inheritance: Autosomal dominant inheritance. Observed: 1 variant allele, 1 heterozygote.
Comment: This study involves interpretation of variants in research participants for the purpose of population health screening. Participant phenotype was not available at the time of variant classification. Additional details can be found in publication PMID: 35346344, PMCID: PMC8962531